The following is an entry in ClinVar:

NM_003482.4(KMT2D):c.2482C>T (p.Pro828Ser)

Gene: KMT2D (lysine methyltransferase 2D; minus strand). Cytogenetic location: 12q13.12.
Variant type: single nucleotide variant.
Coding change: c.2482C>T on transcript NM_003482.4 (MANE Select); coding-DNA position 2482, C replaced by T.
Protein change: p.Pro828Ser; replaces proline 828 with serine.
Molecular consequence: missense variant.
Genome position (GRCh38, 1-based): chr12:49,051,201, G>A on the plus strand (C>T on the coding strand, the complement: KMT2D is on the minus strand). VCF-style: chr12-49051201-G-A. GRCh37 (hg19) VCF-style: chr12-49444984-G-A.
Other names: short protein forms P828S.
Identifiers: ClinVar variation 2635624 (VCV002635624.1), dbSNP rs2120665299, ClinGen allele CA384665710.
Genomic context (GRCh38, chr12:49,051,201, plus strand): 5'-CCTCAGGCCGGGGGGACAGGCATGGCTCCTCAGACTGGGGGGACAGGTGTGATTCCTCAG[G>A]TTGGGGGGACAAGCATGGCTCCTCAGGCACAGGAGACAGGTGCGGCTCCTCAGTCTGGGG-3'
Protein context (NP_003473.3, residues 818-838): VPEEPCLSPQ[Pro828Ser]EESHLSPQSE

ClinVar aggregate classification (germline): Uncertain significance (1 of 4 stars; one submission).

Conditions:
KMT2D-related disorder. Also called: KMT2D-Related Disorders.

Submission:

PreventionGenetics, part of Exact Sciences
Classification: Uncertain significance for KMT2D-related condition. Last evaluated: 2022-12-07. Review status: criteria provided, single submitter. Criteria: ACMG Guidelines, 2015. Collection method: clinical testing. Allele origin: germline.
Comment: The KMT2D c.2482C>T variant is predicted to result in the amino acid substitution p.Pro828Ser. To our knowledge, this variant has not been reported in the literature or in a large population database, indicating this variant is rare. At this time, the clinical significance of this variant is uncertain due to the absence of conclusive functional and genetic evidence.